The following is an entry in ClinVar:

ClinVar aggregate classification (germline): Conflicting classifications of pathogenicity. Review status: criteria provided, conflicting classifications (1 of 4 stars). 8 submissions from 8 submitters: Uncertain significance (3); Likely benign (3). 2 of the submissions do not count toward it. Last evaluated 2026-01-26.

Conditions:
Propionic acidemia (PROP). Also called: GLYCINEMIA, KETOTIC; HYPERGLYCINEMIA WITH KETOACIDOSIS AND LEUKOPENIA; KETOTIC HYPERGLYCINEMIA. Identifiers: Orphanet 35, MedGen C0268579, MONDO:0011628, OMIM 606054, HP:0003571.
PCCB-related disorder. Also called: PCCB-related condition.
Global developmental delay (DD). Also called: Cognitive delay. Identifiers: MedGen C0557874, HP:0001263. Disease mechanism: loss of function.
Hyperammonemia. Also called: Hyperammonaemia. Identifiers: MedGen C5574662, HP:0001987.

Allele frequency attached by ClinVar (database versions not stated): TOPMed 0.00014; 1000 Genomes Project 30x 0.00016; 1000 Genomes Project 0.00020; ESP Exome Variant Server 0.00038; ExAC 0.00039; gnomAD 0.00051 and 0.00054.
gnomAD v4.1: 589 of 1,614,108 alleles (0.036%); highest among the groups gnomAD compares: Middle Eastern, 0.082%; 1 homozygote.

Submissions (8):

Labcorp Genetics (formerly Invitae), Labcorp
Classification: Likely benign for Propionic acidemia. Last evaluated: 2026-01-26. Review status: criteria provided, single submitter. Criteria: Invitae Variant Classification Sherloc (09022015). Collection method: clinical testing. Allele origin: germline.

Blueprint Genetics
Classification: Likely benign. Last evaluated: 2024-11-22. Review status: criteria provided, single submitter. Criteria: ACMG Guidelines, 2015. Collection method: clinical testing. Allele origin: germline.

GeneDx
Classification: Likely benign. Last evaluated: 2019-08-01. Review status: criteria provided, single submitter. Criteria: GeneDx Variant Classification Process June 2021. Collection method: clinical testing. Allele origin: germline. Affected: yes.

CeGaT Center for Human Genetics Tuebingen
Classification: Uncertain significance. Last evaluated: 2019-03-01. Review status: criteria provided, single submitter. Criteria: CeGaT Center For Human Genetics Tuebingen Variant Classification Criteria Version 2. Collection method: clinical testing. Allele origin: germline. Affected: yes. Observed: 2 variant alleles.

Illumina Laboratory Services, Illumina
Classification: Uncertain significance for Propionic acidemia. Last evaluated: 2018-01-13. Review status: criteria provided, single submitter. Criteria: ICSL Variant Classification Criteria 13 December 2019. Collection method: clinical testing. Allele origin: germline.

Centre for Mendelian Genomics, University Medical Centre Ljubljana
Classification: Uncertain significance for Global developmental delay; Hyperammonemia. Last evaluated: 2017-01-01. Review status: criteria provided, single submitter. Criteria: ACMG Guidelines, 2015. Collection method: clinical testing. Allele origin: unknown. Affected: yes.

PreventionGenetics, part of Exact Sciences
Classification: Likely benign for PCCB-related condition. Last evaluated: 2023-10-16. Review status: no assertion criteria provided. Collection method: clinical testing. Allele origin: germline. Not counted in ClinVar's aggregate classification.
Comment: This variant is classified as likely benign based on ACMG/AMP sequence variant interpretation guidelines (Richards et al. 2015 PMID: 25741868, with internal and published modifications).

Natera, Inc.
Classification: Uncertain significance for Propionic acidemia. Last evaluated: 2020-01-05. Review status: no assertion criteria provided. Collection method: clinical testing. Allele origin: germline. Not counted in ClinVar's aggregate classification.

NM_000532.5(PCCB):c.1421A>G (p.Lys474Arg)

Gene: PCCB (propionyl-CoA carboxylase subunit beta; plus strand). Cytogenetic location: 3q22.3.
Variant type: single nucleotide variant.
Coding change: c.1421A>G on transcript NM_000532.5 (MANE Select); coding-DNA position 1421, A replaced by G.
Protein change: p.Lys474Arg; replaces lysine 474 with arginine.
Molecular consequence: missense variant.
Genome position (GRCh38, 1-based): chr3:136,328,780, A>G. VCF-style: chr3-136328780-A-G. GRCh37 (hg19) VCF-style: chr3-136047622-A-G.
Other names: c.1481A>G, p.Lys494Arg (NM_001178014.2); short protein forms K474R, K494R.
Identifiers: ClinVar variation 343477 (VCV000343477.63), dbSNP rs145628302, ClinGen allele CA2632188.
Genomic context (GRCh38, chr3:136,328,780, plus strand): 5'-GGACGACCAAAGATGTTCATGAACTCCTCTAATCACAGGGCGCTGTGGAGATCATCTTCA[A>G]AGGGCATGAGAATGTGGAAGCTGCTCAGGCAGAGTACATCGAGAAGTTTGCCAACCCTTT-3'
Protein context (NP_000523.2, residues 464-484): GAKGAVEIIF[Lys474Arg]GHENVEAAQA